The following is an entry in ClinVar:

ClinVar aggregate classification (germline): Benign. Review status: criteria provided, multiple submitters, no conflicts (2 of 4 stars). 2 submissions from 2 submitters: Benign (2). Last evaluated 2018-01-13.

Conditions:
Surfactant metabolism dysfunction, pulmonary, 1. Also called: INTERSTITIAL LUNG DISEASE DUE TO SURFACTANT PROTEIN B DEFICIENCY; INTERSTITIAL LUNG DISEASE, NONSPECIFIC, DUE TO SURFACTANT PROTEIN B DEFICIENCY; PULMONARY ALVEOLAR PROTEINOSIS, CONGENITAL, 1; Pulmonary surfactant protein B, deficiency of; Neonatal acute respiratory distress due to SP-B deficiency. Identifiers: Orphanet 217563, MedGen C1968602, MONDO:0009929, OMIM 265120.

Allele frequency attached by ClinVar (database versions not stated): gnomAD 0.00815 and 0.00866; TOPMed 0.00921; 1000 Genomes Project 0.00998; 1000 Genomes Project 30x 0.01031.

Submissions (2):

Illumina Laboratory Services, Illumina
Classification: Benign for Surfactant metabolism dysfunction, pulmonary, 1. Last evaluated: 2018-01-13. Review status: criteria provided, single submitter. Criteria: ICSL Variant Classification Criteria 13 December 2019. Collection method: clinical testing. Allele origin: germline.
Comment: This variant was observed in the ICSL laboratory as part of a predisposition screen in an ostensibly healthy population. It had not been previously curated by ICSL or reported in the Human Gene Mutation Database (HGMD: prior to June 1st, 2018), and was therefore a candidate for classification through an automated scoring system. Utilizing variant allele frequency, disease prevalence and penetrance estimates, and inheritance mode, an automated score was calculated to assess if this variant is too frequent to cause the disease. Based on the score and internal cut-off values, a variant classified as benign is not then subjected to further curation. The score for this variant resulted in a classification of benign for this disease.

Breakthrough Genomics
Classification: Benign. Review status: criteria provided, single submitter. Criteria: ACMG Guidelines, 2015. Collection method: not provided. Allele origin: germline. Inheritance: Autosomal recessive inheritance. Affected: yes.

NM_000542.5(SFTPB):c.*1847C>T

Gene: SFTPB (surfactant protein B; minus strand). Cytogenetic location: 2p11.2.
Variant type: single nucleotide variant.
Coding change: c.*1847C>T on transcript NM_000542.5 (MANE Select); 1847 bases downstream of the stop codon, C replaced by T.
Molecular consequence: 3 prime UTR variant.
Genome position (GRCh38, 1-based): chr2:85,657,855, G>A on the plus strand (C>T on the coding strand, the complement: SFTPB is on the minus strand). VCF-style: chr2-85657855-G-A. GRCh37 (hg19) VCF-style: chr2-85884978-G-A.
Other names: c.*926C>T (NM_001367281.2); c.*1020C>T (NM_198843.4).
Identifiers: ClinVar variation 337292 (VCV000337292.6), dbSNP rs115696450, ClinGen allele CA10616358.